The following is an entry in ClinVar:

NM_001136191.3(KANK2):c.1478C>T (p.Thr493Met)

Gene: KANK2 (KN motif and ankyrin repeat domains 2; minus strand). Cytogenetic location: 19p13.2.
Variant type: single nucleotide variant.
Coding change: c.1478C>T on transcript NM_001136191.3 (MANE Select); coding-DNA position 1478, C replaced by T.
Protein change: p.Thr493Met; replaces threonine 493 with methionine.
Molecular consequence: missense variant.
Genome position (GRCh38, 1-based): chr19:11,178,387, G>A on the plus strand (C>T on the coding strand, the complement: KANK2 is on the minus strand). VCF-style: chr19-11178387-G-A. GRCh37 (hg19) VCF-style: chr19-11289063-G-A.
Other names: c.1478C>T, p.Thr493Met (NM_001329451.2, NM_001379555.1, NM_001379556.1 and 7 more transcripts); c.1502C>T, p.Thr501Met (NM_001379548.1, NM_001379549.1, NM_001379550.1 and 5 more transcripts); short protein forms T493M, T501M.
Identifiers: ClinVar variation 1918862 (VCV001918862.5), dbSNP rs777479263, ClinGen allele CA9205657.

ClinVar aggregate classification (germline): Uncertain significance (1 of 4 stars; one submission).

Allele frequency attached by ClinVar (database versions not stated): TOPMed 0.00001; ExAC 0.00002; gnomAD 0.00002; gnomAD exomes 0.00002.
gnomAD v4.1: 32 of 1,561,040 alleles (0.002%); highest among the groups gnomAD compares: South Asian, 0.014%; no homozygotes.

Submission:

Labcorp Genetics (formerly Invitae), Labcorp
Classification: Uncertain significance. Last evaluated: 2025-06-12. Review status: criteria provided, single submitter. Criteria: Invitae Variant Classification Sherloc (09022015). Collection method: clinical testing. Allele origin: germline.
Comment: This sequence change replaces threonine, which is neutral and polar, with methionine, which is neutral and non-polar, at codon 493 of the KANK2 protein (p.Thr493Met). The frequency data for this variant in the population databases is considered unreliable, as metrics indicate poor data quality at this position in the gnomAD database. This variant has not been reported in the literature in individuals affected with KANK2-related conditions. ClinVar contains an entry for this variant (Variation ID: 1918862). An algorithm developed to predict the effect of missense changes on protein structure and function (PolyPhen-2) suggests that this variant is likely to be tolerated. In summary, the available evidence is currently insufficient to determine the role of this variant in disease. Therefore, it has been classified as a Variant of Uncertain Significance.